The following is an entry in ClinVar:

NM_002473.6(MYH9):c.4313A>G (p.Asn1438Ser)

Gene: MYH9 (myosin heavy chain 9; minus strand). Cytogenetic location: 22q12.3.
Variant type: single nucleotide variant.
Coding change: c.4313A>G on transcript NM_002473.6 (MANE Select); coding-DNA position 4313, A replaced by G.
Protein change: p.Asn1438Ser; replaces asparagine 1438 with serine.
Molecular consequence: missense variant.
Genome position (GRCh38, 1-based): chr22:36,292,017, T>C on the plus strand (A>G on the coding strand, the complement: MYH9 is on the minus strand). VCF-style: chr22-36292017-T-C. GRCh37 (hg19) VCF-style: chr22-36688063-T-C.
Other names: short protein forms N1438S.
Identifiers: ClinVar variation 4746158 (VCV004746158.1).

ClinVar aggregate classification (germline): Uncertain significance (1 of 4 stars; one submission).

gnomAD v4.1: 1 of 1,614,184 alleles (0.000062%); highest among the groups gnomAD compares: Non-Finnish European, 0.000085%; no homozygotes.

Submission:

Labcorp Genetics (formerly Invitae), Labcorp
Classification: Uncertain significance. Last evaluated: 2025-10-08. Review status: criteria provided, single submitter. Criteria: Invitae Variant Classification Sherloc (09022015). Collection method: clinical testing. Allele origin: germline.
Comment: This sequence change replaces asparagine, which is neutral and polar, with serine, which is neutral and polar, at codon 1438 of the MYH9 protein (p.Asn1438Ser). This variant is not present in population databases (gnomAD no frequency). This variant has not been reported in the literature in individuals affected with MYH9-related conditions. Invitae Evidence Modeling of protein sequence and biophysical properties (such as structural, functional, and spatial information, amino acid conservation, physicochemical variation, residue mobility, and thermodynamic stability) indicates that this missense variant is not expected to disrupt MYH9 protein function with a negative predictive value of 95%. In summary, the available evidence is currently insufficient to determine the role of this variant in disease. Therefore, it has been classified as a Variant of Uncertain Significance.